The following is an entry in ClinVar:

ClinVar aggregate classification (germline): Uncertain significance (1 of 4 stars; one submission).

Allele frequency attached by ClinVar (database versions not stated): gnomAD 0.00001; gnomAD exomes 0.00001.
gnomAD v4.1: 10 of 1,614,124 alleles (0.00062%); highest among the groups gnomAD compares: Non-Finnish European, 0.00085%; no homozygotes.

Submission:

Labcorp Genetics (formerly Invitae), Labcorp
Classification: Uncertain significance. Last evaluated: 2023-12-15. Review status: criteria provided, single submitter. Criteria: Invitae Variant Classification Sherloc (09022015). Collection method: clinical testing. Allele origin: germline.
Comment: This sequence change replaces asparagine, which is neutral and polar, with serine, which is neutral and polar, at codon 199 of the KLF10 protein (p.Asn199Ser). This variant is present in population databases (no rsID available, gnomAD 0.002%). This variant has not been reported in the literature in individuals affected with KLF10-related conditions. ClinVar contains an entry for this variant (Variation ID: 2202356). Algorithms developed to predict the effect of missense changes on protein structure and function output the following: SIFT: "Not Available"; PolyPhen-2: "Benign"; Align-GVGD: "Not Available". The serine amino acid residue is found in multiple mammalian species, which suggests that this missense change does not adversely affect protein function. In summary, the available evidence is currently insufficient to determine the role of this variant in disease. Therefore, it has been classified as a Variant of Uncertain Significance.

NM_005655.4(KLF10):c.596A>G (p.Asn199Ser)

Gene: KLF10 (KLF transcription factor 10; minus strand). Cytogenetic location: 8q22.3.
Variant type: single nucleotide variant.
Coding change: c.596A>G on transcript NM_005655.4 (MANE Select); coding-DNA position 596, A replaced by G.
Protein change: p.Asn199Ser; replaces asparagine 199 with serine.
Molecular consequence: missense variant.
Genome position (GRCh38, 1-based): chr8:102,651,736, T>C on the plus strand (A>G on the coding strand, the complement: KLF10 is on the minus strand). VCF-style: chr8-102651736-T-C. GRCh37 (hg19) VCF-style: chr8-103663964-T-C.
Other names: c.563A>G, p.Asn188Ser (NM_001032282.4); short protein forms N188S, N199S.
Identifiers: ClinVar variation 2202356 (VCV002202356.4), dbSNP rs1268529731, ClinGen allele CA371627887.